The following is an entry in ClinVar:

ClinVar aggregate classification (germline): Benign/Likely benign. Review status: criteria provided, multiple submitters, no conflicts (2 of 4 stars). 10 submissions from 10 submitters: Benign (3); Likely benign (7). Last evaluated 2026-04-13.

Conditions:
DICER1-related tumor predisposition. Also called: DICER1 syndrome; DICER1-related pleuropulmonary blastoma cancer predisposition syndrome. Identifiers: Orphanet 284343, MedGen C3839822, MONDO:0100216.
Hereditary cancer-predisposing syndrome. Also called: Tumor predisposition; Hereditary Cancer Syndrome; Neoplastic Syndromes, Hereditary; Hereditary neoplastic syndrome. Identifiers: Orphanet 140162, MedGen C0027672, MeSH D009386, MONDO:0015356.

Allele frequency attached by ClinVar (database versions not stated): gnomAD exomes 0.00015 and 0.00039; ExAC 0.00046; 1000 Genomes Project 30x 0.00047; 1000 Genomes Project 0.00060; gnomAD 0.00159 and 0.00171; TOPMed 0.00173; ESP Exome Variant Server 0.00223.
gnomAD v4.1: 472 of 1,613,502 alleles (0.029%); highest among the groups gnomAD compares: African/African-American, 0.59%; 1 homozygote.

Submissions (10):

Myriad Genetics, Inc.
Classification: Likely benign for DICER1-related tumor predisposition. Last evaluated: 2026-04-13. Review status: criteria provided, single submitter. Criteria: Myriad Autosomal Dominant, Autosomal Recessive and X-Linked Classification Criteria (2023). Collection method: clinical testing. Allele origin: unknown.
Comment: This variant is considered likely benign. This variant has been observed at a population frequency that is significantly greater than expected given the associated disease prevalence and penetrance.

Labcorp Genetics (formerly Invitae), Labcorp
Classification: Benign for DICER1-related tumor predisposition. Last evaluated: 2026-02-02. Review status: criteria provided, single submitter. Criteria: Invitae Variant Classification Sherloc (09022015). Collection method: clinical testing. Allele origin: germline.

Center for Genomic Medicine, Rigshospitalet, Copenhagen University Hospital
Classification: Likely benign. Last evaluated: 2025-03-04. Review status: criteria provided, single submitter. Criteria: ACMG Guidelines, 2015. Collection method: clinical testing. Allele origin: germline.

Blueprint Genetics
Classification: Likely benign. Last evaluated: 2024-10-03. Review status: criteria provided, single submitter. Criteria: ACMG Guidelines, 2015. Collection method: clinical testing. Allele origin: germline.

CeGaT Center for Human Genetics Tuebingen
Classification: Likely benign. Last evaluated: 2024-01-01. Review status: criteria provided, single submitter. Criteria: CeGaT Center For Human Genetics Tuebingen Variant Classification Criteria Version 2. Collection method: clinical testing. Allele origin: germline. Affected: yes. Observed: 1 variant allele.
Comment: DICER1: BP4, BP7, BS1

Genetic Services Laboratory, University of Chicago
Classification: Likely benign. Last evaluated: 2021-07-27. Review status: criteria provided, single submitter. Criteria: ACMG Guidelines, 2015. Collection method: clinical testing. Allele origin: germline. Affected: no.

Sema4
Classification: Benign for Hereditary cancer-predisposing syndrome. Last evaluated: 2020-09-18. Review status: criteria provided, single submitter. Criteria: Sema4 Curation Guidelines. Collection method: curation. Allele origin: germline.

Illumina Laboratory Services, Illumina
Classification: Benign for Pleuropulmonary blastoma. Last evaluated: 2018-01-13. Review status: criteria provided, single submitter. Criteria: ICSL Variant Classification Criteria 13 December 2019. Collection method: clinical testing. Allele origin: germline.
Comment: This variant was observed in the ICSL laboratory as part of a predisposition screen in an ostensibly healthy population. It had not been previously curated by ICSL or reported in the Human Gene Mutation Database (HGMD: prior to June 1st, 2018), and was therefore a candidate for classification through an automated scoring system. Utilizing variant allele frequency, disease prevalence and penetrance estimates, and inheritance mode, an automated score was calculated to assess if this variant is too frequent to cause the disease. Based on the score and internal cut-off values, a variant classified as benign is not then subjected to further curation. The score for this variant resulted in a classification of benign for this disease.

GeneDx
Classification: Likely benign. Last evaluated: 2017-07-24. Review status: criteria provided, single submitter. Criteria: GeneDx Variant Classification (06012015). Collection method: clinical testing. Allele origin: germline. Affected: yes.
Comment: This variant is considered likely benign or benign based on one or more of the following criteria: it is a conservative change, it occurs at a poorly conserved position in the protein, it is predicted to be benign by multiple in silico algorithms, and/or has population frequency not consistent with disease.

Ambry Genetics
Classification: Likely benign for Hereditary cancer-predisposing syndrome. Last evaluated: 2017-03-17. Review status: criteria provided, single submitter. Criteria: Ambry Variant Classification Scheme 2023. Collection method: clinical testing. Allele origin: germline.

NM_177438.3(DICER1):c.2115T>C (p.Ile705=)

Gene: DICER1 (dicer 1, ribonuclease III; minus strand). Cytogenetic location: 14q32.13.
Variant type: single nucleotide variant.
Coding change: c.2115T>C on transcript NM_177438.3 (MANE Select); coding-DNA position 2115, T replaced by C.
Protein change: p.Ile705=; no amino-acid change (isoleucine 705 retained).
Molecular consequence: synonymous variant.
Genome position (GRCh38, 1-based): chr14:95,112,173, A>G on the plus strand (T>C on the coding strand, the complement: DICER1 is on the minus strand). VCF-style: chr14-95112173-A-G. GRCh37 (hg19) VCF-style: chr14-95578510-A-G.
Other names: c.2115T>C, p.Ile705= (NM_001195573.1, NM_001271282.3, NM_001291628.2 and 1 more transcripts).
Identifiers: ClinVar variation 242056 (VCV000242056.46), dbSNP rs140087741, ClinGen allele CA7331316.
Genomic context (GRCh38, chr14:95,112,173, plus strand): 5'-TTTTTTTTACAATGGTTGCAATTTATTTTCATTCGTATATGCTTTTCAAACATCCTTACC[A>G]ATTTTGTGCAGTTTCTCACAGCAAATGAGAGCTACAACTCTTTCAGCCAATCGTACACAG-3'
Protein context (NP_803187.1, residues 695-715): ALICCEKLHK[Ile705=]GELDDHLMPV